The following is an entry in ClinVar:

NM_052947.4(ALPK2):c.2761C>G (p.Leu921Val)

Gene: ALPK2 (alpha kinase 2; minus strand). Cytogenetic location: 18q21.31.
Variant type: single nucleotide variant.
Coding change: c.2761C>G on transcript NM_052947.4 (MANE Select); coding-DNA position 2761, C replaced by G.
Protein change: p.Leu921Val; replaces leucine 921 with valine.
Molecular consequence: missense variant.
Genome position (GRCh38, 1-based): chr18:58,537,426, G>C on the plus strand (C>G on the coding strand, the complement: ALPK2 is on the minus strand). VCF-style: chr18-58537426-G-C. GRCh37 (hg19) VCF-style: chr18-56204658-G-C.
Other names: short protein forms L921V.
Identifiers: ClinVar variation 1795693 (VCV001795693.3), dbSNP rs769320806, ClinGen allele CA402569836.

ClinVar aggregate classification (germline): Uncertain significance (1 of 4 stars; one submission).

gnomAD v4.1: 2 of 1,613,420 alleles (0.00012%); highest among the groups gnomAD compares: Middle Eastern, 0.017%; no homozygotes.

Submission:

Ambry Genetics
Classification: Uncertain significance. Last evaluated: 2024-04-05. Review status: criteria provided, single submitter. Criteria: Ambry Variant Classification Scheme 2023. Collection method: clinical testing. Allele origin: germline.
Comment: The p.L921V variant (also known as c.2761C>G), located in coding exon 4 of the ALPK2 gene, results from a C to G substitution at nucleotide position 2761. The leucine at codon 921 is replaced by valine, an amino acid with highly similar properties. This amino acid position is conserved. In addition, this alteration is predicted to be tolerated by in silico analysis. Since supporting evidence is limited at this time, the clinical significance of this alteration remains unclear.